The following is an entry in ClinVar:

ClinVar aggregate classification (germline): Uncertain significance. Review status: criteria provided, multiple submitters, no conflicts (2 of 4 stars). 2 submissions from 2 submitters: Uncertain significance (2). Last evaluated 2025-07-31.

Submissions (2):

Ambry Genetics
Classification: Uncertain significance. Last evaluated: 2025-07-31. Review status: criteria provided, single submitter. Criteria: Ambry Variant Classification Scheme 2023. Collection method: clinical testing. Allele origin: germline.
Comment: The p.I588V variant (also known as c.1762A>G), located in coding exon 13 of the GEN1 gene, results from an A to G substitution at nucleotide position 1762. The isoleucine at codon 588 is replaced by valine, an amino acid with highly similar properties. This amino acid position is conserved. In addition, this alteration is predicted to be tolerated by in silico analysis. Based on the available evidence, the clinical significance of this variant remains unclear.

Labcorp Genetics (formerly Invitae), Labcorp
Classification: Uncertain significance. Last evaluated: 2025-01-19. Review status: criteria provided, single submitter. Criteria: Invitae Variant Classification Sherloc (09022015). Collection method: clinical testing. Allele origin: germline.
Comment: This sequence change replaces isoleucine, which is neutral and non-polar, with valine, which is neutral and non-polar, at codon 588 of the GEN1 protein (p.Ile588Val). This variant is not present in population databases (gnomAD no frequency). This variant has not been reported in the literature in individuals affected with GEN1-related conditions. An algorithm developed to predict the effect of missense changes on protein structure and function (PolyPhen-2) suggests that this variant is likely to be disruptive. In summary, the available evidence is currently insufficient to determine the role of this variant in disease. Therefore, it has been classified as a Variant of Uncertain Significance.

NM_001130009.3(GEN1):c.1762A>G (p.Ile588Val)

Gene: GEN1 (GEN1 structure-specific endonuclease; plus strand). Cytogenetic location: 2p24.2.
Variant type: single nucleotide variant.
Coding change: c.1762A>G on transcript NM_001130009.3 (MANE Select); coding-DNA position 1762, A replaced by G.
Protein change: p.Ile588Val; replaces isoleucine 588 with valine.
Molecular consequence: missense variant.
Genome position (GRCh38, 1-based): chr2:17,780,974, A>G. VCF-style: chr2-17780974-A-G. GRCh37 (hg19) VCF-style: chr2-17962241-A-G.
Other names: c.1762A>G, p.Ile588Val (NM_182625.5); c.1762A>G (NM_001130009.1); short protein forms I588V.
Identifiers: ClinVar variation 3716448 (VCV003716448.3).